The following is an entry in ClinVar:

ClinVar aggregate classification (germline): Uncertain significance (1 of 4 stars; one submission).

Conditions:
Cardiovascular phenotype. Identifiers: MedGen CN230736.

Submission:

Ambry Genetics
Classification: Uncertain significance for Cardiovascular phenotype. Last evaluated: 2025-05-15. Review status: criteria provided, single submitter. Criteria: Ambry Variant Classification Scheme 2023. Collection method: clinical testing. Allele origin: germline.
Comment: The p.P60L variant (also known as c.179C>T), located in coding exon 3 of the CACNB2 gene, results from a C to T substitution at nucleotide position 179. The proline at codon 60 is replaced by leucine, an amino acid with similar properties. This amino acid position is conserved. In addition, this alteration is predicted to be deleterious by in silico analysis. Based on the available evidence, the clinical significance of this variant remains unclear.

NM_201596.3(CACNB2):c.341C>T (p.Pro114Leu)

Gene: CACNB2 (calcium voltage-gated channel auxiliary subunit beta 2; plus strand). Cytogenetic location: 10p12.31.
Variant type: single nucleotide variant.
Coding change: c.341C>T on transcript NM_201596.3 (MANE Select); coding-DNA position 341, C replaced by T.
Protein change: p.Pro114Leu; replaces proline 114 with leucine.
Molecular consequence: missense variant.
Genome position (GRCh38, 1-based): chr10:18,498,362, C>T. VCF-style: chr10-18498362-C-T. GRCh37 (hg19) VCF-style: chr10-18787291-C-T.
Other names: c.176C>T, p.Pro59Leu (NM_000724.4, NM_001330060.2); c.257C>T, p.Pro86Leu (NM_001167945.2, NM_201571.4, NM_201572.4); c.197C>T, p.Pro66Leu (NM_001410882.1, NM_201570.3); c.179C>T, p.Pro60Leu (NM_201590.3); c.341C>T, p.Pro114Leu (NM_201593.3, NM_201597.3); short protein forms P86L, P114L, P59L, P66L, P60L.
Identifiers: ClinVar variation 3994601 (VCV003994601.1).